The following is an entry in ClinVar:

NM_198252.3(GSN):c.2158G>A (p.Asp720Asn)

Gene: GSN (gelsolin; plus strand). Cytogenetic location: 9q33.2.
Variant type: single nucleotide variant.
Coding change: c.2158G>A on transcript NM_198252.3 (MANE Select); coding-DNA position 2158, G replaced by A.
Protein change: p.Asp720Asn; replaces aspartic acid 720 with asparagine.
Molecular consequence: missense variant.
Genome position (GRCh38, 1-based): chr9:121,332,565, G>A. VCF-style: chr9-121332565-G-A. GRCh37 (hg19) VCF-style: chr9-124094843-G-A.
Other names: c.2191G>A, p.Asp731Asn (NM_001127666.2, NM_001127667.2, NM_001353068.2 and 13 more transcripts); c.2209G>A, p.Asp737Asn (NM_001258029.2); c.2182G>A, p.Asp728Asn (NM_001258030.2); c.2158G>A, p.Asp720Asn (NM_001353053.1, NM_001353054.1, NM_001353055.2 and 10 more transcripts); c.2230G>A, p.Asp744Asn (NM_001353076.2); c.2311G>A, p.Asp771Asn (NM_000177.5); c.2266G>A, p.Asp756Asn (NM_001127663.2); c.1504G>A, p.Asp502Asn (NM_001353078.2); short protein forms D728N, D756N, D737N, D731N, D744N, D771N, D502N, D720N.
Identifiers: ClinVar variation 1414015 (VCV001414015.6), dbSNP rs2133999310, ClinGen allele CA374760616.

ClinVar aggregate classification (germline): Uncertain significance (1 of 4 stars; one submission).

Submission:

Labcorp Genetics (formerly Invitae), Labcorp
Classification: Uncertain significance. Last evaluated: 2021-08-29. Review status: criteria provided, single submitter. Criteria: Invitae Variant Classification Sherloc (09022015). Collection method: clinical testing. Allele origin: germline.
Comment: This sequence change replaces aspartic acid with asparagine at codon 771 of the GSN protein (p.Asp771Asn). The aspartic acid residue is moderately conserved and there is a small physicochemical difference between aspartic acid and asparagine. This variant is not present in population databases (ExAC no frequency). This variant has not been reported in the literature in individuals affected with GSN-related conditions. Algorithms developed to predict the effect of missense changes on protein structure and function are either unavailable or do not agree on the potential impact of this missense change (SIFT: "Tolerated"; PolyPhen-2: "Possibly Damaging"; Align-GVGD: "Class C0"). In summary, the available evidence is currently insufficient to determine the role of this variant in disease. Therefore, it has been classified as a Variant of Uncertain Significance.